The following is an entry in ClinVar:

ClinVar aggregate classification (germline): Likely benign (1 of 4 stars; one submission).

Submission:

CeGaT Center for Human Genetics Tuebingen
Classification: Likely benign. Last evaluated: 2026-05-01. Review status: criteria provided, single submitter. Criteria: CeGaT Center For Human Genetics Tuebingen Variant Classification Criteria Version 2. Collection method: clinical testing. Allele origin: germline. Affected: yes. Observed: 1 variant allele.
Comment: CIC: PM2:Supporting, BP4, BP7

NM_001386298.1(CIC):c.2013C>G (p.Gly671=)

Gene: CIC (capicua transcriptional repressor; plus strand). Cytogenetic location: 19q13.2.
Variant type: single nucleotide variant.
Coding change: c.2013C>G on transcript NM_001386298.1 (MANE Select); coding-DNA position 2013, C replaced by G.
Protein change: p.Gly671=; no amino-acid change (glycine 671 retained).
Molecular consequence: synonymous variant.
Genome position (GRCh38, 1-based): chr19:42,273,796, C>G. VCF-style: chr19-42273796-C-G. GRCh37 (hg19) VCF-style: chr19-42777948-C-G.
Other names: c.2013C>G, p.Gly671= (NM_001304815.2, NM_001379480.1, NM_001379482.1 and 6 more transcripts).
Identifiers: ClinVar variation 4873671 (VCV004873671.2).